The following is an entry in ClinVar:

NM_025081.3(NYNRIN):c.5356A>G (p.Met1786Val)

Gene: NYNRIN (NYN domain and retroviral integrase containing; plus strand). Cytogenetic location: 14q12.
Variant type: single nucleotide variant.
Coding change: c.5356A>G on transcript NM_025081.3 (MANE Select); coding-DNA position 5356, A replaced by G.
Protein change: p.Met1786Val; replaces methionine 1786 with valine.
Molecular consequence: missense variant.
Genome position (GRCh38, 1-based): chr14:24,417,105, A>G. VCF-style: chr14-24417105-A-G. GRCh37 (hg19) VCF-style: chr14-24886311-A-G.
Other names: short protein forms M1786V.
Identifiers: ClinVar variation 2365996 (VCV002365996.5), dbSNP rs200814392, ClinGen allele CA7137599.

ClinVar aggregate classification (germline): Uncertain significance. Review status: criteria provided, multiple submitters, no conflicts (2 of 4 stars). 3 submissions from 3 submitters: Uncertain significance (3). Last evaluated 2026-02-11.

Conditions:
Predisposition to Wilms tumor.

Allele frequency attached by ClinVar (database versions not stated): gnomAD 0.00034; TOPMed 0.00040; ESP Exome Variant Server 0.00048; gnomAD exomes 0.00007; ExAC 0.00013.

Submissions (3):

St. Jude Molecular Pathology, St. Jude Children's Research Hospital
Classification: Uncertain significance for Predisposition to Wilms tumor. Last evaluated: 2026-02-11. Review status: criteria provided, single submitter. Criteria: St. Jude Assertion Criteria 2020. Collection method: clinical testing. Allele origin: germline.
Comment: The NYNRIN c.5356A>G p.(Met1786Val) missense change has a maximum subpopulation frequency of 0.11% in gnomAD v2.1.1. The in silico tool REVEL predicts a benign effect on protein function, but to our knowledge this prediction has not been confirmed by functional studies. To our knowledge, this variant has not been reported in individuals with NYNRIN-associated Wilms tumor. In summary, the evidence currently available is insufficient to determine the clinical significance of this variant. It has therefore been classified as of uncertain significance.

Labcorp Genetics (formerly Invitae), Labcorp
Classification: Uncertain significance. Last evaluated: 2024-04-18. Review status: criteria provided, single submitter. Criteria: Invitae Variant Classification Sherloc (09022015). Collection method: clinical testing. Allele origin: germline.
Comment: This sequence change replaces methionine, which is neutral and non-polar, with valine, which is neutral and non-polar, at codon 1786 of the NYNRIN protein (p.Met1786Val). This variant is present in population databases (rs200814392, gnomAD 0.1%), and has an allele count higher than expected for a pathogenic variant. This variant has not been reported in the literature in individuals affected with NYNRIN-related conditions. ClinVar contains an entry for this variant (Variation ID: 2365996). In summary, the available evidence is currently insufficient to determine the role of this variant in disease. Therefore, it has been classified as a Variant of Uncertain Significance.

Ambry Genetics
Classification: Uncertain significance. Last evaluated: 2021-07-14. Review status: criteria provided, single submitter. Criteria: Ambry Variant Classification Scheme 2023. Collection method: clinical testing. Allele origin: germline.